The following is an entry in ClinVar:

NM_005460.4(SNCAIP):c.81G>A (p.Thr27=)

Gene: SNCAIP (synuclein alpha interacting protein; plus strand). Cytogenetic location: 5q23.2.
Variant type: single nucleotide variant.
Coding change: c.81G>A on transcript NM_005460.4 (MANE Select); coding-DNA position 81, G replaced by A.
Protein change: p.Thr27=; no amino-acid change (threonine 27 retained).
Molecular consequence: synonymous variant. On other transcripts: missense variant (5), non-coding transcript variant (2).
Genome position (GRCh38, 1-based): chr5:122,403,816, G>A. VCF-style: chr5-122403816-G-A. GRCh37 (hg19) VCF-style: chr5-121739511-G-A.
Other names: c.35G>A, p.Arg12Gln (NM_001242935.3, NM_001308107.2, NM_001308108.1 and 1 more transcripts); c.222G>A, p.Thr74= (NM_001308100.2); c.81G>A, p.Thr27= (NM_001308105.1); c.29G>A, p.Arg10Gln (NM_001308106.1); short protein forms R12Q, R10Q.
Identifiers: ClinVar variation 350482 (VCV000350482.9), dbSNP rs149915358, ClinGen allele CA3384557.

ClinVar aggregate classification (germline): Benign. Review status: criteria provided, multiple submitters, no conflicts (2 of 4 stars). 2 submissions from 2 submitters: Benign (2). Last evaluated 2019-12-31.

Conditions:
Parkinson Disease, Dominant/Recessive.

Allele frequency attached by ClinVar (database versions not stated): gnomAD 0.00101 and 0.00167; ESP Exome Variant Server 0.00123; TOPMed 0.00147; gnomAD exomes 0.00420; 1000 Genomes Project 30x 0.00422; 1000 Genomes Project 0.00439; ExAC 0.00456.

Submissions (2):

Labcorp Genetics (formerly Invitae), Labcorp
Classification: Benign. Last evaluated: 2019-12-31. Review status: criteria provided, single submitter. Criteria: Invitae Variant Classification Sherloc (09022015). Collection method: clinical testing. Allele origin: germline.

Illumina Laboratory Services, Illumina
Classification: Benign for Parkinson Disease, Dominant/Recessive. Last evaluated: 2018-01-12. Review status: criteria provided, single submitter. Criteria: ICSL Variant Classification Criteria 13 December 2019. Collection method: clinical testing. Allele origin: germline.
Comment: This variant was observed in the ICSL laboratory as part of a predisposition screen in an ostensibly healthy population. It had not been previously curated by ICSL or reported in the Human Gene Mutation Database (HGMD: prior to June 1st, 2018), and was therefore a candidate for classification through an automated scoring system. Utilizing variant allele frequency, disease prevalence and penetrance estimates, and inheritance mode, an automated score was calculated to assess if this variant is too frequent to cause the disease. Based on the score and internal cut-off values, a variant classified as benign is not then subjected to further curation. The score for this variant resulted in a classification of benign for this disease.